The following is an entry in ClinVar:

ClinVar aggregate classification (germline): Conflicting classifications of pathogenicity. Review status: criteria provided, conflicting classifications (1 of 4 stars). 5 submissions from 5 submitters: Uncertain significance (1); Likely benign (3). 1 of the submissions does not count toward it. Last evaluated 2026-08-01.

Conditions:
MAPT-related disorder. Also called: MAPT-related condition; MAPT-Related Disorders.

Allele frequency attached by ClinVar (database versions not stated): gnomAD 0.00014 and 0.00015; ESP Exome Variant Server 0.00015; 1000 Genomes Project 30x 0.00016; TOPMed 0.00017; gnomAD exomes 0.00018 and 0.00021; 1000 Genomes Project 0.00020; ExAC 0.00020.
gnomAD v4.1: 317 of 1,614,036 alleles (0.02%); highest among the groups gnomAD compares: Non-Finnish European, 0.026%; 1 homozygote.

Submissions (5):

CeGaT Center for Human Genetics Tuebingen
Classification: Uncertain significance. Last evaluated: 2026-08-01. Review status: criteria provided, single submitter. Criteria: CeGaT Center For Human Genetics Tuebingen Variant Classification Criteria Version 2. Collection method: clinical testing. Allele origin: germline. Affected: yes. Observed: 3 variant alleles.
Comment: MAPT: PM2, BP4

Laboratory of Genetics, Children's Clinical University Hospital Latvia
Classification: Likely benign. Last evaluated: 2025-02-16. Review status: criteria provided, single submitter. Criteria: ACMG Guidelines, 2015. Collection method: clinical testing. Allele origin: germline. Affected: yes.

Blueprint Genetics
Classification: Likely benign. Last evaluated: 2024-09-12. Review status: criteria provided, single submitter. Criteria: ACMG Guidelines, 2015. Collection method: clinical testing. Allele origin: germline.

Labcorp Genetics (formerly Invitae), Labcorp
Classification: Likely benign. Last evaluated: 2018-08-28. Review status: criteria provided, single submitter. Criteria: Invitae Variant Classification Sherloc (09022015). Collection method: clinical testing. Allele origin: germline.

PreventionGenetics, part of Exact Sciences
Classification: Uncertain significance for MAPT-related condition. Last evaluated: 2024-02-06. Review status: no assertion criteria provided. Collection method: clinical testing. Allele origin: germline. Not counted in ClinVar's aggregate classification.
Comment: The MAPT c.845C>T variant is predicted to result in the amino acid substitution p.Ser282Leu. To our knowledge, this variant has not been reported in the literature. This variant is reported in 0.030% of alleles in individuals of European (Non-Finnish) descent in gnomAD, which may be too common to be an undocumented primary cause of disease. Although we suspect that this variant may be benign, at this time, the clinical significance of this variant is uncertain due to the absence of conclusive functional and genetic evidence.

NM_001377265.1(MAPT):c.1070C>T (p.Ser357Leu)

Gene: MAPT (microtubule associated protein tau). Cytogenetic location: 17q21.31.
Variant type: single nucleotide variant.
Coding change: c.1070C>T on transcript NM_001377265.1 (MANE Select); coding-DNA position 1070, C replaced by T.
Protein change: p.Ser357Leu; replaces serine 357 with leucine.
Molecular consequence: missense variant. On other transcripts: intron variant (8).
Genome position (GRCh38, 1-based): chr17:45,983,649, C>T. VCF-style: chr17-45983649-C-T. GRCh37 (hg19) VCF-style: chr17-44061015-C-T.
Other names: c.845C>T, p.Ser282Leu (NM_001123066.4, NM_016835.5); c.1070C>T, p.Ser357Leu (NM_001377266.1); c.200-3391C>T (NM_001377268.1, NM_016834.5, NM_016841.5); c.374-3391C>T (NM_005910.6, NM_001203252.2); c.287-3391C>T (NM_001123067.4, NM_001203251.2, NM_001377267.1); c.845C>T (NM_001123066.3); short protein forms S282L, S357L.
Identifiers: ClinVar variation 695402 (VCV000695402.30), dbSNP rs199644237, ClinGen allele CA8617766.